The following is an entry in ClinVar:

NM_000528.4(MAN2B1):c.777T>G (p.Asn259Lys)

Gene: MAN2B1 (mannosidase alpha class 2B member 1; minus strand). Cytogenetic location: 19p13.13.
Variant type: single nucleotide variant.
Coding change: c.777T>G on transcript NM_000528.4 (MANE Select); coding-DNA position 777, T replaced by G.
Protein change: p.Asn259Lys; replaces asparagine 259 with lysine.
Molecular consequence: missense variant.
Genome position (GRCh38, 1-based): chr19:12,663,449, A>C on the plus strand (T>G on the coding strand, the complement: MAN2B1 is on the minus strand). VCF-style: chr19-12663449-A-C. GRCh37 (hg19) VCF-style: chr19-12774263-A-C.
Other names: c.777T>G, p.Asn259Lys (NM_001173498.2); short protein forms N259K.
Identifiers: ClinVar variation 1983103 (VCV001983103.1), dbSNP rs1281701206, ClinGen allele CA404252363.
Genomic context (GRCh38, chr19:12,663,449, plus strand): 5'-CACCAGCGGCTGATCGACACACAGCACATCCCAGCACAGATTCCTTGGCGGGTTGTAACC[A>C]TTGGGAAGCACACCTGCAGGTCACACCAAGTTCAAGGGGTGGCCCATCACCCAGACCTTC-3'
Protein context (NP_000519.2, residues 249-269): TADLFTGVLP[Asn259Lys]GYNPPRNLCW

ClinVar aggregate classification (germline): Uncertain significance (1 of 4 stars; one submission).

Conditions:
Deficiency of alpha-mannosidase (MANSA). Also called: Mannosidosis, alpha-, types I and II; LYSOSOMAL ALPHA-D-MANNOSIDASE DEFICIENCY; Alpha-Mannosidosis. Identifiers: Orphanet 61, MedGen C0024748, MONDO:0009561, OMIM 248500.

Allele frequency attached by ClinVar (database versions not stated): gnomAD exomes below 0.00001.
gnomAD v4.1: 2 of 1,614,050 alleles (0.00012%); highest among the groups gnomAD compares: Non-Finnish European, 0.000085%; no homozygotes.

Submission:

Labcorp Genetics (formerly Invitae), Labcorp
Classification: Uncertain significance for Deficiency of alpha-mannosidase. Last evaluated: 2022-07-15. Review status: criteria provided, single submitter. Criteria: Invitae Variant Classification Sherloc (09022015). Collection method: clinical testing. Allele origin: germline.
Comment: This sequence change replaces asparagine, which is neutral and polar, with lysine, which is basic and polar, at codon 259 of the MAN2B1 protein (p.Asn259Lys). This variant is present in population databases (no rsID available, gnomAD 0.0009%). This variant has not been reported in the literature in individuals affected with MAN2B1-related conditions. Algorithms developed to predict the effect of missense changes on protein structure and function (SIFT, PolyPhen-2, Align-GVGD) all suggest that this variant is likely to be disruptive. Algorithms developed to predict the effect of sequence changes on RNA splicing suggest that this variant may create or strengthen a splice site. In summary, the available evidence is currently insufficient to determine the role of this variant in disease. Therefore, it has been classified as a Variant of Uncertain Significance.